The following is an entry in ClinVar:

NM_000153.4(GALC):c.752+199A>T

Genes: GALC (galactosylceramidase; minus strand), LOC132090289 (Neanderthal introgressed variant-containing enhancer experimental_38584; plus strand). Cytogenetic location: 14q31.3.
Variant type: single nucleotide variant.
Coding change: c.752+199A>T on transcript NM_000153.4 (MANE Select); 199 bases into the intron after coding-DNA position 752, A replaced by T.
Molecular consequence: intron variant.
Genome position (GRCh38, 1-based): chr14:87,976,159, T>A on the plus strand (A>T on the coding strand, the complement: GALC is on the minus strand). VCF-style: chr14-87976159-T-A. GRCh37 (hg19) VCF-style: chr14-88442503-T-A.
Other names: c.674+199A>T (NM_001201402.2); c.683+199A>T (NM_001201401.2).
Identifiers: ClinVar variation 680294 (VCV000680294.1), dbSNP rs4904409, ClinGen allele CA264708192.
Genomic context (GRCh38, chr14:87,976,159, plus strand): 5'-AAAACAAAGCCCTGTTTTATTATTCCAAACATCAACATGCTTTTTAAAAGCTATCAATAC[T>A]TGTTTGTCATAGAAAGATCCTAAAATATATTTAAAAGAGAAAATAATGAACTATGAGCCA-3'

ClinVar aggregate classification (germline): Benign (1 of 4 stars; one submission).

Allele frequency attached by ClinVar (database versions not stated): 1000 Genomes Project 0.76158; gnomAD 0.65509 and 0.66337; TOPMed 0.67319.

Submission:

GeneDx
Classification: Benign. Last evaluated: 2018-06-19. Review status: criteria provided, single submitter. Criteria: GeneDx Variant Classification (06012015). Collection method: clinical testing. Allele origin: germline. Affected: yes.
Comment: This variant is considered likely benign or benign based on one or more of the following criteria: it is a conservative change, it occurs at a poorly conserved position in the protein, it is predicted to be benign by multiple in silico algorithms, and/or has population frequency not consistent with disease.